The following continues an entry in ClinVar:

NM_000053.4(ATP7B):c.2921C>T (p.Thr974Met)

Gene: ATP7B. ClinVar aggregate classification (germline): Uncertain significance. Uncertain significance (15).

Submissions 12 to 17 of 17:

Genome-Nilou Lab
Classification: Uncertain significance for Wilson disease. Last evaluated: 2021-09-05. Review status: criteria provided, single submitter. Criteria: ACMG Guidelines, 2015. Collection method: clinical testing. Allele origin: germline. Affected: no.

Ambry Genetics
Classification: Uncertain significance for Inborn genetic diseases. Last evaluated: 2021-04-15. Review status: criteria provided, single submitter. Criteria: Ambry Variant Classification Scheme 2023. Collection method: clinical testing. Allele origin: germline.
Comment: Identified in one patient with Wilson disease; however, no second ATP7B variant was reported (Davies, 2008)_x000D_ _x000D_ Studies of evolutionary conservation and structure were inconclusive regarding the effect of this alteration on protein function (Schushan, 2012) Based on insufficient or conflicting evidence, the clinical significance of this alteration remains unclear.

Illumina Laboratory Services, Illumina
Classification: Uncertain significance for Wilson disease. Last evaluated: 2017-04-27. Review status: criteria provided, single submitter. Criteria: ICSL Variant Classification Criteria 13 December 2019. Collection method: clinical testing. Allele origin: germline.
Comment: This variant was observed as part of a predisposition screen in an ostensibly healthy population. A literature search was performed for the gene, cDNA change, and amino acid change (where applicable). Publications were found based on this search. However, the evidence from the literature, in combination with allele frequency data from public databases where available, was not sufficient to rule this variant in or out of causing disease. Therefore, this variant is classified as a variant of unknown significance.

Eurofins Ntd Llc (ga)
Classification: Uncertain significance. Last evaluated: 2016-07-22. Review status: criteria provided, single submitter. Criteria: EGL Classification Definitions 2015. Collection method: clinical testing. Allele origin: germline. Observed: 1 variant allele, 1 heterozygote.

Natera, Inc.
Classification: Uncertain significance for Wilson disease. Last evaluated: 2020-09-16. Review status: no assertion criteria provided. Collection method: clinical testing. Allele origin: germline. Not counted in ClinVar's aggregate classification.

Counsyl
Classification: Uncertain significance for Wilson disease. Last evaluated: 2017-03-03. Review status: no assertion criteria provided. Collection method: clinical testing. Allele origin: unknown. Not counted in ClinVar's aggregate classification.

Literature cited by the submitters: PubMed 18373411 (cited by 9 submitters); PubMed 20465995 (cited by 3 submitters); PubMed 22692182 (cited by 4 submitters); PubMed 23235335 (cited by Women's Health and Genetics/Laboratory Corporation of America, LabCorp); PubMed 24253677 (cited by Women's Health and Genetics/Laboratory Corporation of America, LabCorp); PubMed 30097039 (cited by 4 submitters); PubMed 31751128 (cited by Women's Health and Genetics/Laboratory Corporation of America, LabCorp); PubMed 27935710 (cited by 4 submitters); PubMed 31059521 (cited by Women's Health and Genetics/Laboratory Corporation of America, LabCorp); PubMed 31449670 (cited by Women's Health and Genetics/Laboratory Corporation of America, LabCorp); PubMed 40661833 (cited by Women's Health and Genetics/Laboratory Corporation of America, LabCorp).